The following is an entry in ClinVar:

ClinVar aggregate classification (germline): no classifications from unflagged records (0 of 4 stars; one submission).

Submission:

ISCA site 4
Classification: Uncertain significance. Last evaluated: 2011-08-12. Review status: flagged submission. Criteria: Kaminsky et al. (Genet Med. 2011). Collection method: clinical testing. Allele origin: unknown. Affected: yes. Observed: 1 variant allele.
Comment: Copy number variation identified through the course of routine clinical cytogenomic testing in postnatal populations. Clinical assertions have been curated as described in Kaminsky et al. 2011.
ClinVar note: Notes: This submission was flagged because its interpretation of this variant conflicts with the ClinGen Gene Dosage Map curation for the gene WDR26.
ClinVar note: Reason: Conflict with ClinGen Gene Dosage Map

GRCh38/hg38 1q41-42.12(chr1:223882252-224902629)x1

Genes: FBXO28 (F-box protein 28; plus strand), MIR320B2 (microRNA 320b-2; minus strand), MIR4742 (microRNA 4742; minus strand), NVL (nuclear VCP like; minus strand), WDR26 (WD repeat domain 26; minus strand) and 40 more. Cytogenetic location: 1q41-42.12.
Variant type: copy number loss.
Change: copy number 1 (one copy instead of two) of chr1:223,882,252-224,902,629 (1.02 Mb, GRCh38 coordinates, 1-based), cytogenetic band 1q41-42.12.
Identifiers: ClinVar variation 57169 (VCV000057169.1).